The following is an entry in ClinVar:

NM_001127208.3(TET2):c.2294G>A (p.Ser765Asn)

Genes: TET2 (tet methylcytosine dioxygenase 2; plus strand), TET2-AS1 (TET2 antisense RNA 1; minus strand). Cytogenetic location: 4q24.
Variant type: single nucleotide variant.
Coding change: c.2294G>A on transcript NM_001127208.3 (MANE Select); coding-DNA position 2294, G replaced by A.
Protein change: p.Ser765Asn; replaces serine 765 with asparagine.
Molecular consequence: missense variant.
Genome position (GRCh38, 1-based): chr4:105,236,236, G>A. VCF-style: chr4-105236236-G-A. GRCh37 (hg19) VCF-style: chr4-106157393-G-A.
Other names: c.2294G>A, p.Ser765Asn (NM_017628.4); short protein forms S765N.
Identifiers: ClinVar variation 3967509 (VCV003967509.1).

ClinVar aggregate classification (germline): Uncertain significance (1 of 4 stars; one submission).

Submission:

Ambry Genetics
Classification: Uncertain significance. Last evaluated: 2025-03-30. Review status: criteria provided, single submitter. Criteria: Ambry Variant Classification Scheme 2023. Collection method: clinical testing. Allele origin: germline.
Comment: The p.S765N variant (also known as c.2294G>A), located in coding exon 1 of the TET2 gene, results from a G to A substitution at nucleotide position 2294. The serine at codon 765 is replaced by asparagine, an amino acid with highly similar properties. This amino acid position is conserved. In addition, this alteration is predicted to be tolerated by in silico analysis. Based on the available evidence, the clinical significance of this variant remains unclear.